The following is an entry in ClinVar:

ClinVar aggregate classification (germline): Likely pathogenic (1 of 4 stars; one submission).

Conditions:
ZTTK syndrome (ZTTKS). Also called: Zhu-Tokita-Takenouchi-Kim Syndrome; ZTTK MULTIPLE CONGENITAL ANOMALIES-MENTAL RETARDATION SYNDROME. Identifiers: Orphanet 500150, MedGen C4310696, MONDO:0014936, OMIM 617140.

Submission:

Laboratorio de Genetica e Diagnostico Molecular, Hospital Israelita Albert Einstein
Classification: Likely pathogenic for ZTTK syndrome. Last evaluated: 2024-03-19. Review status: criteria provided, single submitter. Criteria: ACMG Guidelines, 2015. Collection method: clinical testing. Allele origin: germline. Affected: yes.
Comment: ACMG classification criteria: PVS1 very strong, PM2 supporting

NM_138927.4(SON):c.1134dup (p.Ser379fs)

Gene: SON (SON DNA and RNA binding protein; plus strand). Cytogenetic location: 21q22.11.
Variant type: Duplication.
Coding change: c.1134dup on transcript NM_138927.4 (MANE Select); coding-DNA position 1134, one base duplicated (C; older notation c.1134dupC).
Protein change: p.Ser379fs; shifts the reading frame from serine 379.
Molecular consequence: frameshift variant. On other transcripts: non-coding transcript variant (1), intron variant (1).
Genome position (GRCh38, 1-based): chr21:33,550,365, C duplicated; the last of 2 consecutive C bases (chr21:33,550,364-33,550,365); duplicating either gives the same sequence. VCF-style (leftmost placement, unchanged base first): chr21-33550363-G-GC. GRCh37 (hg19) VCF-style: chr21-34922669-G-GC.
Other names: c.1134dup, p.Ser379fs (NM_001291411.2, NM_032195.3); c.244+3986dup (NM_001291412.3); short protein forms S379fs.
Identifiers: ClinVar variation 4076191 (VCV004076191.1).
Genomic context (GRCh38, chr21:33,550,363, plus strand): 5'-CCGCAGGAGTTGCCGGAGCTGCCTAAGACCACAGCGTTGGAGCTGCAGGAGTCGTCGGTG[G>GC]CCTCAGCGATGGAGTTGCCGGGGCCACCTGCGACCTCCATGCCGGAGTTGCAGGGGCCCC-3'